The following is an entry in ClinVar:

ClinVar aggregate classification (germline): Uncertain significance (1 of 4 stars; one submission).

gnomAD v4.1: 1 of 1,614,048 alleles (0.000062%); highest among the groups gnomAD compares: Non-Finnish European, 0.000085%; no homozygotes.

Submission:

Labcorp Genetics (formerly Invitae), Labcorp
Classification: Uncertain significance. Last evaluated: 2025-11-04. Review status: criteria provided, single submitter. Criteria: Invitae Variant Classification Sherloc (09022015). Collection method: clinical testing. Allele origin: germline.
Comment: This sequence change replaces asparagine, which is neutral and polar, with serine, which is neutral and polar, at codon 40 of the RPL18 protein (p.Asn40Ser). This variant is not present in population databases (gnomAD no frequency). This variant has not been reported in the literature in individuals affected with RPL18-related conditions. An algorithm developed to predict the effect of missense changes on protein structure and function (PolyPhen-2) suggests that this variant is likely to be tolerated. In summary, the available evidence is currently insufficient to determine the role of this variant in disease. Therefore, it has been classified as a Variant of Uncertain Significance.

NM_000979.4(RPL18):c.119A>G (p.Asn40Ser)

Gene: RPL18 (ribosomal protein L18; minus strand). Cytogenetic location: 19q13.33.
Variant type: single nucleotide variant.
Coding change: c.119A>G on transcript NM_000979.4 (MANE Select); coding-DNA position 119, A replaced by G.
Protein change: p.Asn40Ser; replaces asparagine 40 with serine.
Molecular consequence: missense variant. On other transcripts: non-coding transcript variant (1).
Genome position (GRCh38, 1-based): chr19:48,617,395, T>C on the plus strand (A>G on the coding strand, the complement: RPL18 is on the minus strand). VCF-style: chr19-48617395-T-C. GRCh37 (hg19) VCF-style: chr19-49120652-T-C.
Other names: c.32A>G, p.Asn11Ser (NM_001270490.2); short protein forms N11S, N40S.
Identifiers: ClinVar variation 4772409 (VCV004772409.1).